The following is an entry in ClinVar:

NM_000038.6(APC):c.8239C>T (p.Pro2747Ser)

Gene: APC (APC regulator of Wnt signaling pathway; plus strand). Cytogenetic location: 5q22.2.
Variant type: single nucleotide variant.
Coding change: c.8239C>T on transcript NM_000038.6 (MANE Select); coding-DNA position 8239, C replaced by T.
Protein change: p.Pro2747Ser; replaces proline 2747 with serine.
Molecular consequence: missense variant.
Genome position (GRCh38, 1-based): chr5:112,843,833, C>T. VCF-style: chr5-112843833-C-T. GRCh37 (hg19) VCF-style: chr5-112179530-C-T.
Other names: c.8239C>T, p.Pro2747Ser (NM_001127510.3, NM_001354895.2); c.8185C>T, p.Pro2729Ser (NM_001127511.3); c.8293C>T, p.Pro2765Ser (NM_001354896.2); c.8269C>T, p.Pro2757Ser (NM_001354897.2); c.8164C>T, p.Pro2722Ser (NM_001354898.2); c.8155C>T, p.Pro2719Ser (NM_001354899.2); c.8116C>T, p.Pro2706Ser (NM_001354900.2); c.8062C>T, p.Pro2688Ser (NM_001354901.2); and 5 more; short protein forms P2765S, P2464S, P2587S, P2621S, P2646S, P2656S, P2688S, P2706S.
Identifiers: ClinVar variation 1063812 (VCV001063812.10), dbSNP rs1170470482, ClinGen allele CA16039214.

ClinVar aggregate classification (germline): Uncertain significance (1 of 4 stars; one submission).

Conditions:
Familial adenomatous polyposis 1 (FAP1). Also called: POLYPOSIS, ADENOMATOUS INTESTINAL; FAMILIAL ADENOMATOUS POLYPOSIS 1, ATTENUATED. Identifiers: MedGen C2713442, MONDO:0021056, OMIM 175100. Disease mechanism: loss of function.

Submission:

Labcorp Genetics (formerly Invitae), Labcorp
Classification: Uncertain significance for Familial adenomatous polyposis 1. Last evaluated: 2020-06-06. Review status: criteria provided, single submitter. Criteria: Invitae Variant Classification Sherloc (09022015). Collection method: clinical testing. Allele origin: germline.
Comment: This sequence change replaces proline with serine at codon 2747 of the APC protein (p.Pro2747Ser). The proline residue is moderately conserved and there is a moderate physicochemical difference between proline and serine. This variant is not present in population databases (ExAC no frequency). This variant has not been reported in the literature in individuals with APC-related conditions. Algorithms developed to predict the effect of missense changes on protein structure and function (SIFT, PolyPhen-2, Align-GVGD) all suggest that this variant is likely to be tolerated, but these predictions have not been confirmed by published functional studies and their clinical significance is uncertain. In summary, the available evidence is currently insufficient to determine the role of this variant in disease. Therefore, it has been classified as a Variant of Uncertain Significance.